The following is an entry in ClinVar:

ClinVar aggregate classification (germline): Uncertain significance. Review status: criteria provided, multiple submitters, no conflicts (2 of 4 stars). 2 submissions from 2 submitters: Uncertain significance (2). Last evaluated 2026-01-26.

Conditions:
Hereditary cancer-predisposing syndrome. Also called: Tumor predisposition; Hereditary Cancer Syndrome; Neoplastic Syndromes, Hereditary; Hereditary neoplastic syndrome. Identifiers: Orphanet 140162, MedGen C0027672, MeSH D009386, MONDO:0015356.

Submissions (2):

Labcorp Genetics (formerly Invitae), Labcorp
Classification: Uncertain significance. Last evaluated: 2026-01-26. Review status: criteria provided, single submitter. Criteria: Invitae Variant Classification Sherloc (09022015). Collection method: clinical testing. Allele origin: germline.
Comment: This sequence change replaces glycine, which is neutral and non-polar, with serine, which is neutral and polar, at codon 302 of the POLE protein (p.Gly302Ser). This variant is not present in population databases (gnomAD no frequency). This variant has not been reported in the literature in individuals affected with POLE-related conditions. ClinVar contains an entry for this variant (Variation ID: 822943). Invitae Evidence Modeling of protein sequence and biophysical properties (such as structural, functional, and spatial information, amino acid conservation, physicochemical variation, residue mobility, and thermodynamic stability) indicates that this missense variant is expected to disrupt POLE protein function with a positive predictive value of 80%. In summary, the available evidence is currently insufficient to determine the role of this variant in disease. Therefore, it has been classified as a Variant of Uncertain Significance.

Ambry Genetics
Classification: Uncertain significance for Hereditary cancer-predisposing syndrome. Last evaluated: 2019-05-02. Review status: criteria provided, single submitter. Criteria: Ambry Variant Classification Scheme 2023. Collection method: clinical testing. Allele origin: germline.
Comment: The p.G302S variant (also known as c.904G>A), located in coding exon 9 of the POLE gene, results from a G to A substitution at nucleotide position 904. The glycine at codon 302 is replaced by serine, an amino acid with similar properties. This amino acid position is highly conserved in available vertebrate species. In addition, the in silico prediction for this alteration is inconclusive. Since supporting evidence is limited at this time, the clinical significance of this alteration remains unclear.

NM_006231.4(POLE):c.904G>A (p.Gly302Ser)

Gene: POLE (DNA polymerase epsilon, catalytic subunit; minus strand). Cytogenetic location: 12q24.33.
Variant type: single nucleotide variant.
Coding change: c.904G>A on transcript NM_006231.4 (MANE Select); coding-DNA position 904, G replaced by A.
Protein change: p.Gly302Ser; replaces glycine 302 with serine.
Molecular consequence: missense variant.
Genome position (GRCh38, 1-based): chr12:132,676,551, C>T on the plus strand (G>A on the coding strand, the complement: POLE is on the minus strand). VCF-style: chr12-132676551-C-T. GRCh37 (hg19) VCF-style: chr12-133253137-C-T.
Other names: short protein forms G302S.
Identifiers: ClinVar variation 822943 (VCV000822943.5), dbSNP rs1593079333, ClinGen allele CA387364135.